The following is an entry in ClinVar:

ClinVar aggregate classification (germline): Pathogenic (1 of 4 stars; one submission).

Conditions:
Hereditary cancer-predisposing syndrome. Also called: Neoplastic Syndromes, Hereditary; Tumor predisposition; Hereditary neoplastic syndrome; Hereditary Cancer Syndrome. Identifiers: Orphanet 140162, MedGen C0027672, MeSH D009386, MONDO:0015356.

Submission:

Ambry Genetics
Classification: Pathogenic for Hereditary cancer-predisposing syndrome. Last evaluated: 2018-01-05. Review status: criteria provided, single submitter. Criteria: Ambry Variant Classification Scheme 2023. Collection method: clinical testing. Allele origin: germline.
Comment: The c.58_59ins25 variant, located in coding exon 1 of the BRCA2 gene, results from an insertion of 25 nucleotides at position 58, causing a translational frameshift with a predicted alternate stop codon (p.N20Sfs*4). This alteration is expected to result in loss of function by premature protein truncation or nonsense-mediated mRNA decay. As such, this alteration is interpreted as a disease-causing mutation.

NM_000059.4(BRCA2):c.58_59insGCTTGCAGTGAGCCGAGATCGCGCC (p.Asn20delinsSerLeuGlnTer)

Gene: BRCA2 (BRCA2 DNA repair associated; plus strand). Cytogenetic location: 13q13.1.
Variant type: Insertion.
Coding change: c.58_59insGCTTGCAGTGAGCCGAGATCGCGCC on transcript NM_000059.4 (MANE Select); coding-DNA positions 58 to 59, GCTTGCAGTGAGCCGAGATCGCGCC inserted.
Protein change: p.Asn20delinsSerLeuGlnTer.
Molecular consequence: nonsense.
Genome position: GRCh38 VCF-style: chr13-32316518-A-AGCTTGCAGTGAGCCGAGATCGCGCC. GRCh37 (hg19) VCF-style: chr13-32890655-A-AGCTTGCAGTGAGCCGAGATCGCGCC.
Identifiers: ClinVar variation 825981 (VCV000825981.4), dbSNP rs1593880798, ClinGen allele CA915946921.
Genomic context (GRCh38, chr13:32,316,518, plus strand): 5'-AAAATGCCTATTGGATCCAAAGAGAGGCCAACATTTTTTGAAATTTTTAAGACACGCTGC[A>AGCTTGCAGTGAGCCGAGATCGCGCC]ACAAAGCAGGTATTGACAAATTTTATATAACTTTATAAATTACACCGAGAAAGTGTTTTC-3'